The following is an entry in ClinVar:

ClinVar aggregate classification (germline): Uncertain significance. Review status: criteria provided, multiple submitters, no conflicts (2 of 4 stars). 7 submissions from 7 submitters: Uncertain significance (7). Last evaluated 2025-11-13.

Conditions:
MMUT-related disorder. Also called: MMUT-related condition.
Methylmalonic aciduria due to methylmalonyl-CoA mutase deficiency (MAMM). Also called: Methylmalonic aciduria, mut type. Identifiers: Orphanet 27, MedGen C1855114, MONDO:0009612, OMIM 251000.

Allele frequency attached by ClinVar (database versions not stated): gnomAD exomes 0.00002 and 0.00003; ExAC 0.00005; gnomAD 0.00018 and 0.00019; TOPMed 0.00020; ESP Exome Variant Server 0.00023; 1000 Genomes Project 30x 0.00031; 1000 Genomes Project 0.00040.

Submissions (7):

Ambry Genetics
Classification: Uncertain significance. Last evaluated: 2025-11-13. Review status: criteria provided, single submitter. Criteria: Ambry Variant Classification Scheme 2023. Collection method: clinical testing. Allele origin: germline.

Laboratorio de Genetica e Diagnostico Molecular, Hospital Israelita Albert Einstein
Classification: Uncertain significance for Methylmalonic aciduria due to methylmalonyl-CoA mutase deficiency. Last evaluated: 2024-06-02. Review status: criteria provided, single submitter. Criteria: ACMG Guidelines, 2015. Collection method: clinical testing. Allele origin: germline. Affected: yes.
Comment: ACMG classification criteria: PP3 supporting

Genomic Medicine Center of Excellence, King Faisal Specialist Hospital and Research Centre
Classification: Uncertain significance for Methylmalonic aciduria due to methylmalonyl-CoA mutase deficiency. Last evaluated: 2024-04-04. Review status: criteria provided, single submitter. Criteria: ACMG Guidelines, 2015. Collection method: clinical testing. Allele origin: germline.

PreventionGenetics, part of Exact Sciences
Classification: Uncertain significance for MMUT-related condition. Last evaluated: 2023-02-15. Review status: criteria provided, single submitter. Criteria: ACMG Guidelines, 2015. Collection method: clinical testing. Allele origin: germline.
Comment: The MMUT c.284C>T variant is predicted to result in the amino acid substitution p.Pro95Leu. To our knowledge, this variant has not been reported in the literature. This variant is reported in 0.056% of alleles in individuals of African descent in gnomAD. Although we suspect that this variant may be benign, at this time, the clinical significance of this variant is uncertain due to the absence of conclusive functional and genetic evidence.

Labcorp Genetics (formerly Invitae), Labcorp
Classification: Uncertain significance. Last evaluated: 2022-08-16. Review status: criteria provided, single submitter. Criteria: Invitae Variant Classification Sherloc (09022015). Collection method: clinical testing. Allele origin: germline.
Comment: This sequence change replaces proline, which is neutral and non-polar, with leucine, which is neutral and non-polar, at codon 95 of the MUT protein (p.Pro95Leu). This variant is present in population databases (rs190834116, gnomAD 0.06%). This variant has not been reported in the literature in individuals affected with MUT-related conditions. ClinVar contains an entry for this variant (Variation ID: 374213). Algorithms developed to predict the effect of missense changes on protein structure and function are either unavailable or do not agree on the potential impact of this missense change (SIFT: "Deleterious"; PolyPhen-2: "Probably Damaging"; Align-GVGD: "Class C0"). In summary, the available evidence is currently insufficient to determine the role of this variant in disease. Therefore, it has been classified as a Variant of Uncertain Significance.

Fulgent Genetics
Classification: Uncertain significance for Methylmalonic aciduria due to methylmalonyl-CoA mutase deficiency. Last evaluated: 2022-05-18. Review status: criteria provided, single submitter. Criteria: ACMG Guidelines, 2015. Collection method: clinical testing. Allele origin: unknown.

HudsonAlpha Institute for Biotechnology
Classification: Uncertain significance for Methylmalonic aciduria due to methylmalonyl-CoA mutase deficiency. Last evaluated: 2016-12-08. Review status: criteria provided, single submitter. Criteria: HA_assertions_20161101. Collection method: research. Allele origin: paternal. Affected: yes. Observed: 1 variant allele. Study: CSER-HudsonAlpha.

NM_000255.4(MMUT):c.284C>T (p.Pro95Leu)

Gene: MMUT (methylmalonyl-CoA mutase; minus strand). Cytogenetic location: 6p12.3.
Variant type: single nucleotide variant.
Coding change: c.284C>T on transcript NM_000255.4 (MANE Select); coding-DNA position 284, C replaced by T.
Protein change: p.Pro95Leu; replaces proline 95 with leucine.
Molecular consequence: missense variant.
Genome position (GRCh38, 1-based): chr6:49,459,183, G>A on the plus strand (C>T on the coding strand, the complement: MMUT is on the minus strand). VCF-style: chr6-49459183-G-A. GRCh37 (hg19) VCF-style: chr6-49426896-G-A.
Other names: c.284C>T (NM_000255.3); short protein forms P95L.
Identifiers: ClinVar variation 374213 (VCV000374213.10), dbSNP rs190834116, ClinGen allele CA3847144.
Genomic context (GRCh38, chr6:49,459,183, plus strand): 5'-GTACTAAAACCAGCATACTGGCGGATGGTCCAGGGCCTAAAGGTATACATGGTAGGATAT[G>A]GTCCACGTGTGAATGGCTTCACTCCTGGAAGTTCTTCAGGTAAGTCCATAGTATCTCTCT-3'
Protein context (NP_000246.2, residues 85-105): LPGVKPFTRG[Pro95Leu]YPTMYTFRPW